The following is an entry in ClinVar:

NM_001374828.1(ARID1B):c.6328G>T (p.Glu2110Ter)

Gene: ARID1B (AT-rich interaction domain 1B; plus strand). Cytogenetic location: 6q25.3.
Variant type: single nucleotide variant.
Coding change: c.6328G>T on transcript NM_001374828.1 (MANE Select); coding-DNA position 6328, G replaced by T.
Protein change: p.Glu2110Ter; replaces glutamic acid 2110 with a stop codon.
Molecular consequence: nonsense.
Genome position (GRCh38, 1-based): chr6:157,207,100, G>T. VCF-style: chr6-157207100-G-T. GRCh37 (hg19) VCF-style: chr6-157528234-G-T.
Other names: c.5959G>T (NM_020732.3); c.3829G>T, p.Glu1277Ter (NM_001363725.2); c.6208G>T, p.Glu2070Ter (NM_001371656.1, NM_001374820.1); c.6169G>T, p.Glu2057Ter (NM_017519.3); short protein forms E1277*, E2057*, E2070*, E2110*.
Identifiers: ClinVar variation 1690689 (VCV001690689.2), dbSNP rs1554237778, ClinGen allele CA366248030.

ClinVar aggregate classification (germline): Likely pathogenic (1 of 4 stars; one submission).

Submission:

Laboratorio de Genetica e Diagnostico Molecular, Hospital Israelita Albert Einstein
Classification: Likely pathogenic. Last evaluated: 2019-09-30. Review status: criteria provided, single submitter. Criteria: ACMG Guidelines, 2015. Collection method: clinical testing. Allele origin: germline. Affected: yes.
Comment: ACMG classification criteria: PVS1, PM2